The following is an entry in ClinVar:

ClinVar aggregate classification (germline): Benign. Review status: criteria provided, multiple submitters, no conflicts (2 of 4 stars). 2 submissions from 2 submitters: Benign (2). Last evaluated 2018-01-13.

Conditions:
Immunodeficiency 104. Also called: Severe Combined Immune Deficiency, Autosomal Recessive, TCell -Negative, B Cell-Positive, NK Cell-Positive, IL7R-Related; Severe combined immunodeficiency, autosomal recessive, T cell-negative, B cell-positive, NK cell-positive; IMMUNODEFICIENCY 104, SEVERE COMBINED; SCID, AUTOSOMAL RECESSIVE, T CELL-NEGATIVE, B CELL-POSITIVE, NK CELL-POSITIVE. Identifiers: MedGen C5676890, MONDO:0012163, OMIM 608971.

Allele frequency attached by ClinVar (database versions not stated): 1000 Genomes Project 0.12859; 1000 Genomes Project 30x 0.12898; gnomAD 0.13128 and 0.13303; gnomAD exomes 0.13297; TOPMed 0.13893.
gnomAD v4.1: 30,598 of 231,264 alleles (13%); highest among the groups gnomAD compares: Admixed American, 15%; 2,064 homozygotes.

Submissions (2):

Illumina Laboratory Services, Illumina
Classification: Benign for Immunodeficiency 104. Last evaluated: 2018-01-13. Review status: criteria provided, single submitter. Criteria: ICSL Variant Classification Criteria 13 December 2019. Collection method: clinical testing. Allele origin: germline.
Comment: This variant was observed in the ICSL laboratory as part of a predisposition screen in an ostensibly healthy population. It had not been previously curated by ICSL or reported in the Human Gene Mutation Database (HGMD: prior to June 1st, 2018), and was therefore a candidate for classification through an automated scoring system. Utilizing variant allele frequency, disease prevalence and penetrance estimates, and inheritance mode, an automated score was calculated to assess if this variant is too frequent to cause the disease. Based on the score and internal cut-off values, a variant classified as benign is not then subjected to further curation. The score for this variant resulted in a classification of benign for this disease.

Breakthrough Genomics
Classification: Benign. Review status: criteria provided, single submitter. Criteria: ACMG Guidelines, 2015. Collection method: not provided. Allele origin: germline. Inheritance: Autosomal recessive inheritance. Affected: yes.

NM_002185.5(IL7R):c.*3015A>G

Gene: IL7R (interleukin 7 receptor; plus strand). Cytogenetic location: 5p13.2.
Variant type: single nucleotide variant.
Coding change: c.*3015A>G on transcript NM_002185.5 (MANE Select); 3015 bases downstream of the stop codon, A replaced by G.
Molecular consequence: 3 prime UTR variant. On other transcripts: non-coding transcript variant (1).
Genome position (GRCh38, 1-based): chr5:35,879,501, A>G. VCF-style: chr5-35879501-A-G. GRCh37 (hg19) VCF-style: chr5-35879603-A-G.
Identifiers: ClinVar variation 907328 (VCV000907328.5), dbSNP rs1862632, ClinGen allele CA12114827.